The following is an entry in ClinVar:

ClinVar aggregate classification (germline): Uncertain significance (1 of 4 stars; one submission).

gnomAD v4.1: 23 of 1,613,016 alleles (0.0014%); highest among the groups gnomAD compares: South Asian, 0.024%; no homozygotes.

Submission:

Labcorp Genetics (formerly Invitae), Labcorp
Classification: Uncertain significance. Last evaluated: 2025-06-19. Review status: criteria provided, single submitter. Criteria: Invitae Variant Classification Sherloc (09022015). Collection method: clinical testing. Allele origin: germline.
Comment: This sequence change replaces arginine, which is basic and polar, with histidine, which is basic and polar, at codon 1927 of the SON protein (p.Arg1927His). This variant is present in population databases (rs752778892, gnomAD 0.03%). This variant has not been reported in the literature in individuals affected with SON-related conditions. Experimental studies and prediction algorithms are not available or were not evaluated, and the functional significance of this variant is currently unknown. In summary, the available evidence is currently insufficient to determine the role of this variant in disease. Therefore, it has been classified as a Variant of Uncertain Significance.

NM_138927.4(SON):c.5780G>A (p.Arg1927His)

Gene: SON (SON DNA and RNA binding protein; plus strand). Cytogenetic location: 21q22.11.
Variant type: single nucleotide variant.
Coding change: c.5780G>A on transcript NM_138927.4 (MANE Select); coding-DNA position 5780, G replaced by A.
Protein change: p.Arg1927His; replaces arginine 1927 with histidine.
Molecular consequence: missense variant. On other transcripts: non-coding transcript variant (1), intron variant (1).
Genome position (GRCh38, 1-based): chr21:33,555,011, G>A. VCF-style: chr21-33555011-G-A. GRCh37 (hg19) VCF-style: chr21-34927317-G-A.
Other names: c.5780G>A, p.Arg1927His (NM_001291411.2, NM_032195.3); c.245-2145G>A (NM_001291412.3); short protein forms R1927H.
Identifiers: ClinVar variation 4748029 (VCV004748029.1).